The following is an entry in ClinVar:

ClinVar aggregate classification (germline): Conflicting classifications of pathogenicity. Review status: criteria provided, conflicting classifications (1 of 4 stars). 2 submissions from 2 submitters: Uncertain significance (1); Likely benign (1). Last evaluated 2023-03-06.

Conditions:
Creatine transporter deficiency (CCDS1). Also called: CEREBRAL CREATINE DEFICIENCY SYNDROME 1; Mental retardation , X-linked with seizures, short stature and midface hypoplasia; Mental retardation , X-linked, with creatine transport deficiency; X-linked creatine transporter deficiency; X-linked creatine deficiency syndrome; SLC6A8-Related Creatine Transporter Deficiency. Identifiers: Orphanet 52503, MedGen C1845862, MONDO:0010305, OMIM 300352.

gnomAD v4.1: 3 of 1,132,327 alleles (0.00026%); highest among the groups gnomAD compares: Non-Finnish European, 0.00036%; no homozygotes.

Submissions (2):

Laboratorio de Genetica e Diagnostico Molecular, Hospital Israelita Albert Einstein
Classification: Uncertain significance for Creatine transporter deficiency. Last evaluated: 2023-03-06. Review status: criteria provided, single submitter. Criteria: ACMG Guidelines, 2015. Collection method: clinical testing. Allele origin: germline. Affected: yes.
Comment: ACMG classification criteria: PM2 moderate

Labcorp Genetics (formerly Invitae), Labcorp
Classification: Likely benign for Creatine transporter deficiency. Last evaluated: 2022-03-04. Review status: criteria provided, single submitter. Criteria: Invitae Variant Classification Sherloc (09022015). Collection method: clinical testing. Allele origin: germline.

NM_005629.4(SLC6A8):c.1767+15C>A

Gene: SLC6A8 (solute carrier family 6 member 8; plus strand). Cytogenetic location: Xq28.
Variant type: single nucleotide variant.
Coding change: c.1767+15C>A on transcript NM_005629.4 (MANE Select); 15 bases into the intron after coding-DNA position 1767, C replaced by A.
Molecular consequence: intron variant.
Genome position (GRCh38, 1-based): chrX:153,694,904, C>A. VCF-style: chrX-153694904-C-A. GRCh37 (hg19) VCF-style: chrX-152960359-C-A.
Other names: c.1737+15C>A (NM_001142805.2); c.1422+15C>A (NM_001142806.1).
Identifiers: ClinVar variation 2164285 (VCV002164285.5), dbSNP rs370331295, ClinGen allele CA873261556.